The following is an entry in ClinVar:

ClinVar aggregate classification (germline): Uncertain significance. Review status: criteria provided, multiple submitters, no conflicts (2 of 4 stars). 6 submissions from 6 submitters: Uncertain significance (5). 1 of the submissions does not count toward it. Last evaluated 2026-07-29.

Conditions:
Bardet-Biedl syndrome 14 (BBS14). Identifiers: Orphanet 110, MedGen C2673874, MONDO:0014442, OMIM 615991.
Joubert syndrome 5 (JBTS5). Identifiers: Orphanet 2318, MedGen C1857780, MONDO:0012432, OMIM 610188.
Senior-Loken syndrome 6 (SLSN6). Identifiers: Orphanet 3156, MedGen C1857779, MONDO:0012433, OMIM 610189.
Meckel syndrome, type 4 (MKS4). Also called: MECKEL-GRUBER SYNDROME, TYPE 4. Identifiers: Orphanet 564, MedGen C1970161, MONDO:0012626, OMIM 611134.
Leber congenital amaurosis 10 (LCA10). Identifiers: Orphanet 65, MedGen C1857821, MONDO:0012723, OMIM 611755.
CEP290-related disorder. Also called: CEP290-related condition; CEP290-related disorders. Identifiers: MedGen CN239314.
Nephronophthisis. Also called: Juvenile Nephronophthisis. Identifiers: Orphanet 655, MedGen C0687120, MONDO:0019005, HP:0000090.
Meckel-Gruber syndrome. Also called: GRUBER SYNDROME; Dysencephalia splachnocystica; DYSENCEPHALIA SPLANCHNOCYSTICA. Identifiers: Orphanet 564, MedGen C0265215, MONDO:0018921.
Joubert syndrome. Also called: Familial aplasia of the vermis; JOUBERT-BOLTSHAUSER SYNDROME. Identifiers: Orphanet 475, MedGen C5979921, MONDO:0018772.
Leber congenital amaurosis (LCA). Also called: Leber's amaurosis. Identifiers: Orphanet 65, MedGen C0339527, MeSH D057130, MONDO:0018998.

Submissions (6):

PreventionGenetics, part of Exact Sciences
Classification: Uncertain significance for CEP290-related condition. Last evaluated: 2026-07-29. Review status: criteria provided, single submitter. Criteria: ACMG Guidelines, 2015. Collection method: clinical testing. Allele origin: germline.
Comment: The CEP290 c.7392_7393insCA variant is predicted to result in a frameshift and premature protein termination (p.Glu2465Glnfs*21). This variant is located in the terminal exon of CEP290 and is expected to disrupt the native stop codon and lead to an extension of the protein coding region. To our knowledge, this variant has not been reported in the literature. This variant is reported in 0.058% of alleles in individuals of African descent in gnomAD. Although frameshift variants are known to be pathogenic, nearly all occur upstream of this variant and lead to premature protein termination. Only a limited number of variants impacting the stop codon and leading to protein extension have been documented (Wang et al. 2015. PubMed ID: 26047050; Best et al. 2022. PubMed ID: 35764379). Therefore, at this time, the clinical significance of this variant is uncertain due to the absence of conclusive functional and genetic evidence.

GeneDx
Classification: Uncertain significance. Last evaluated: 2024-09-30. Review status: criteria provided, single submitter. Criteria: GeneDx Variant Classification Process June 2021. Collection method: clinical testing. Allele origin: germline. Affected: yes.
Comment: Frameshift variant predicted to result in abnormal protein length as the last 15 amino acid(s) are replaced with 20 different amino acid(s), and other similar variants have been reported in HGMD; Has not been previously published as pathogenic or benign to our knowledge; This variant is associated with the following publications: (PMID: 34196655)

Fulgent Genetics
Classification: Uncertain significance for Joubert syndrome 5; Senior-Loken syndrome 6; Meckel syndrome, type 4; Leber congenital amaurosis 10; Bardet-Biedl syndrome 14. Last evaluated: 2024-06-11. Review status: criteria provided, single submitter. Criteria: ACMG Guidelines, 2015. Collection method: clinical testing. Allele origin: germline.

Blueprint Genetics
Classification: Uncertain significance. Last evaluated: 2024-05-14. Review status: criteria provided, single submitter. Criteria: ACMG Guidelines, 2015. Collection method: clinical testing. Allele origin: germline.

Labcorp Genetics (formerly Invitae), Labcorp
Classification: Uncertain significance for Joubert syndrome; Meckel-Gruber syndrome; Nephronophthisis. Last evaluated: 2022-11-01. Review status: criteria provided, single submitter. Criteria: Invitae Variant Classification Sherloc (09022015). Collection method: clinical testing. Allele origin: germline.
Comment: This sequence change results in a frameshift in the CEP290 gene (p.Glu2465Glnfs*21). While this is not anticipated to result in nonsense mediated decay, it is expected to disrupt the last 15 amino acid(s) of the CEP290 protein and extend the protein by 5 additional amino acid residues. This variant is present in population databases (rs757255407, gnomAD 0.06%). This variant has not been reported in the literature in individuals affected with CEP290-related conditions. ClinVar contains an entry for this variant (Variation ID: 966453). This variant disrupts the C-terminus of the CEP290 protein. Other variant(s) that disrupt this region (p.Glu2465Valfs*2) have been observed in individuals with CEP290-related conditions (PMID: 34196655). This suggests that this may be a clinically significant region of the protein. In summary, the available evidence is currently insufficient to determine the role of this variant in disease. Therefore, it has been classified as a Variant of Uncertain Significance.

Natera, Inc.
Classification: Uncertain significance for Leber congenital amaurosis. Last evaluated: 2020-01-27. Review status: no assertion criteria provided. Collection method: clinical testing. Allele origin: germline. Not counted in ClinVar's aggregate classification.

Literature cited by the submitters: PubMed 34196655 (cited by Labcorp Genetics (formerly Invitae), Labcorp).

NM_025114.4(CEP290):c.7392_7393insCA (p.Glu2465fs)

Genes: CEP290 (centrosomal protein 290; minus strand), RLIG1 (RNA 5'-phosphate and 3'-OH ligase 1; plus strand). Cytogenetic location: 12q21.32.
Variant type: Insertion.
Coding change: c.7392_7393insCA on transcript NM_025114.4 (MANE Select); coding-DNA positions 7392 to 7393, CA inserted.
Protein change: p.Glu2465fs; shifts the reading frame from glutamic acid 2465.
Molecular consequence: frameshift variant. On other transcripts: 3 prime UTR variant (1).
Genome position: GRCh38 VCF-style: chr12-88049231-C-CTG. GRCh37 (hg19) VCF-style: chr12-88443008-C-CTG.
Other names: c.*810_*811insGT (NM_001009894.3); short protein forms E2465fs.
Identifiers: ClinVar variation 966453 (VCV000966453.17), dbSNP rs757255407, ClinGen allele CA6711277.